The following is an entry in ClinVar:

ClinVar aggregate classification (germline): Uncertain significance. Review status: criteria provided, multiple submitters, no conflicts (2 of 4 stars). 2 submissions from 2 submitters: Uncertain significance (2). Last evaluated 2024-04-15.

Conditions:
Inborn genetic diseases. Identifiers: MedGen C0950123, MeSH D030342.
Macrocephaly-developmental delay syndrome (MRT41). Also called: INTELLECTUAL DEVELOPMENTAL DISORDER, AUTOSOMAL RECESSIVE 41. Identifiers: Orphanet 397612, MedGen C3810225, MONDO:0014289, OMIM 615637.

Allele frequency attached by ClinVar (database versions not stated): gnomAD exomes 0.00006 and 0.00018; TOPMed 0.00006; ESP Exome Variant Server 0.00008; ExAC 0.00010.

Submissions (2):

Ambry Genetics
Classification: Uncertain significance for Inborn genetic diseases. Last evaluated: 2024-04-15. Review status: criteria provided, single submitter. Criteria: Ambry Variant Classification Scheme 2023. Collection method: clinical testing. Allele origin: germline.

Baylor Genetics
Classification: Uncertain significance for Macrocephaly-developmental delay syndrome. Last evaluated: 2018-03-03. Review status: criteria provided, single submitter. Criteria: ACMG Guidelines, 2015. Collection method: clinical testing. Allele origin: unknown. Affected: yes.
Comment: This variant was determined to be of uncertain significance according to ACMG Guidelines, 2015 [PMID:25741868].

NM_007059.4(KPTN):c.511C>A (p.His171Asn)

Gene: KPTN (kaptin, actin binding protein; minus strand). Cytogenetic location: 19q13.32.
Variant type: single nucleotide variant.
Coding change: c.511C>A on transcript NM_007059.4 (MANE Select); coding-DNA position 511, C replaced by A.
Protein change: p.His171Asn; replaces histidine 171 with asparagine.
Molecular consequence: missense variant. On other transcripts: non-coding transcript variant (1).
Genome position (GRCh38, 1-based): chr19:47,480,972, G>T on the plus strand (C>A on the coding strand, the complement: KPTN is on the minus strand). VCF-style: chr19-47480972-G-T. GRCh37 (hg19) VCF-style: chr19-47984229-G-T.
Other names: c.343C>A, p.His115Asn (NM_001291296.2); short protein forms H115N, H171N.
Identifiers: ClinVar variation 1034347 (VCV001034347.2), dbSNP rs377031102, ClinGen allele CA9540425.